The following is an entry in ClinVar:

NM_001394531.1(WDFY4):c.7630A>G (p.Lys2544Glu)

Gene: WDFY4 (WDFY family member 4; plus strand). Cytogenetic location: 10q11.23.
Variant type: single nucleotide variant.
Coding change: c.7630A>G on transcript NM_001394531.1 (MANE Select); coding-DNA position 7630, A replaced by G.
Protein change: p.Lys2544Glu; replaces lysine 2544 with glutamic acid.
Molecular consequence: missense variant.
Genome position (GRCh38, 1-based): chr10:48,943,330, A>G. VCF-style: chr10-48943330-A-G. GRCh37 (hg19) VCF-style: chr10-50151375-A-G.
Other names: c.7630A>G, p.Lys2544Glu (NM_020945.2); short protein forms K2544E.
Identifiers: ClinVar variation 3469155 (VCV003469155.2).

ClinVar aggregate classification (germline): Uncertain significance. Review status: criteria provided, multiple submitters, no conflicts (2 of 4 stars). 2 submissions from 2 submitters: Uncertain significance (2). Last evaluated 2025-03-12.

Conditions:
WDFY4-related disorder. Also called: WDFY4-related condition.

Submissions (2):

PreventionGenetics, part of Exact Sciences
Classification: Uncertain significance for WDFY4-related condition. Last evaluated: 2025-03-12. Review status: criteria provided, single submitter. Criteria: ACMG Guidelines, 2015. Collection method: clinical testing. Allele origin: germline.
Comment: The WDFY4 c.7630A>G variant is predicted to result in the amino acid substitution p.Lys2544Glu. To our knowledge, this variant has not been reported in the literature or in a large population database (gnomAD), indicating this variant is rare. At this time, the clinical significance of this variant is uncertain due to the absence of conclusive functional and genetic evidence.

Ambry Genetics
Classification: Uncertain significance. Last evaluated: 2024-08-28. Review status: criteria provided, single submitter. Criteria: Ambry Variant Classification Scheme 2023. Collection method: clinical testing. Allele origin: germline.